The following is an entry in ClinVar:

ClinVar aggregate classification (germline): Likely benign (1 of 4 stars; one submission).

Conditions:
SMARCAD1-related disorder. Also called: SMARCAD1-related condition.

gnomAD v4.1: 1,322 of 1,614,068 alleles (0.082%); highest among the groups gnomAD compares: South Asian, 0.14%; 4 homozygotes.

Submission:

PreventionGenetics, part of Exact Sciences
Classification: Likely benign for SMARCAD1-related condition. Last evaluated: 2026-02-02. Review status: criteria provided, single submitter. Criteria: ACMG Guidelines, 2015. Collection method: clinical testing. Allele origin: germline.
Comment: This variant is classified as likely benign based on ACMG/AMP sequence variant interpretation guidelines (Richards et al. 2015 PMID: 25741868, with internal and published modifications).

NM_020159.5(SMARCAD1):c.1927C>T (p.His643Tyr)

Gene: SMARCAD1 (SNF2 related chromatin remodeling ATPase with DExD box 1; plus strand). Cytogenetic location: 4q22.3.
Variant type: single nucleotide variant.
Coding change: c.1927C>T on transcript NM_020159.5 (MANE Select); coding-DNA position 1927, C replaced by T.
Protein change: p.His643Tyr; replaces histidine 643 with tyrosine.
Molecular consequence: missense variant. On other transcripts: non-coding transcript variant (17).
Genome position (GRCh38, 1-based): chr4:94,276,457, C>T. VCF-style: chr4-94276457-C-T. GRCh37 (hg19) VCF-style: chr4-95197608-C-T.
Other names: c.1927C>T, p.His643Tyr (NM_001128429.3, NM_001128430.2, NM_001375855.1 and 1 more transcripts); c.637C>T, p.His213Tyr (NM_001254949.2, NM_001375859.1); c.1924C>T, p.His642Tyr (NM_001375857.1); c.1906C>T, p.His636Tyr (NM_001375858.1); short protein forms H213Y, H643Y, H642Y, H636Y.
Identifiers: ClinVar variation 4978019 (VCV004978019.1).
Genomic context (GRCh38, chr4:94,276,457, plus strand): 5'-AATTACGCAATTTTTGATGAGGGCCATATGCTGAAGAATATGGGCTCCATTCGCTACCAG[C>T]ACCTTATGACAATTAATGTAAGAGAATGTTTGTAAAGTTTTCCAAATTACTGTAAAATTT-3'
Protein context (NP_064544.2, residues 633-653): LKNMGSIRYQ[His643Tyr]LMTINANNRL